The following is an entry in ClinVar:

ClinVar aggregate classification (germline): Uncertain significance (1 of 4 stars; one submission).

Conditions:
FG syndrome (FGS). Identifiers: MedGen C0220769, MONDO:0002010.

Allele frequency attached by ClinVar (database versions not stated): gnomAD exomes 0.00001; ExAC 0.00004.

Submission:

Labcorp Genetics (formerly Invitae), Labcorp
Classification: Uncertain significance for FG syndrome. Last evaluated: 2023-06-16. Review status: criteria provided, single submitter. Criteria: Invitae Variant Classification Sherloc (09022015). Collection method: clinical testing. Allele origin: germline.
Comment: This sequence change falls in intron 1 of the MED12 gene. It does not directly change the encoded amino acid sequence of the MED12 protein. This variant is present in population databases (rs781300446, gnomAD 0.002%). This variant has not been reported in the literature in individuals affected with MED12-related conditions. Algorithms developed to predict the effect of sequence changes on RNA splicing suggest that this variant may create or strengthen a splice site. In summary, the available evidence is currently insufficient to determine the role of this variant in disease. Therefore, it has been classified as a Variant of Uncertain Significance.

NM_005120.3(MED12):c.100-10C>G

Gene: MED12 (mediator complex subunit 12; plus strand). Cytogenetic location: Xq13.1.
Variant type: single nucleotide variant.
Coding change: c.100-10C>G on transcript NM_005120.3 (MANE Select); 10 bases into the intron before coding-DNA position 100, C replaced by G.
Molecular consequence: intron variant.
Genome position (GRCh38, 1-based): chrX:71,119,363, C>G. VCF-style: chrX-71119363-C-G. GRCh37 (hg19) VCF-style: chrX-70339213-C-G.
Identifiers: ClinVar variation 3022003 (VCV003022003.3), dbSNP rs781300446, ClinGen allele CA10443997.